The following is an entry in ClinVar:

ClinVar aggregate classification (germline): Uncertain significance (1 of 4 stars; one submission).

Conditions:
Hereditary breast ovarian cancer syndrome. Also called: Hereditary breast and/or ovarian cancer syndrome; Breast and ovarian cancer; Hereditary breast and ovarian cancer; Hereditary breast and ovarian cancer syndrome; Hereditary breast and ovarian cancer syndrome (HBOC); BRCA1- and BRCA2-Associated Hereditary Breast and Ovarian Cancer. Identifiers: Orphanet 145, MedGen C0677776, MeSH D061325, MONDO:0003582. Disease mechanism: loss of function.

Submission:

Labcorp Genetics (formerly Invitae), Labcorp
Classification: Uncertain significance for Hereditary breast ovarian cancer syndrome. Last evaluated: 2025-11-17. Review status: criteria provided, single submitter. Criteria: Invitae Variant Classification Sherloc (09022015). Collection method: clinical testing. Allele origin: germline.
Comment: This sequence change replaces asparagine, which is neutral and polar, with threonine, which is neutral and polar, at codon 1793 of the BRCA2 protein (p.Asn1793Thr). This variant is not present in population databases (gnomAD no frequency). This variant has not been reported in the literature in individuals affected with BRCA2-related conditions. Invitae Evidence Modeling of protein sequence and biophysical properties (such as structural, functional, and spatial information, amino acid conservation, physicochemical variation, residue mobility, and thermodynamic stability) indicates that this missense variant is not expected to disrupt BRCA2 protein function with a negative predictive value of 95%. In summary, the available evidence is currently insufficient to determine the role of this variant in disease. Therefore, it has been classified as a Variant of Uncertain Significance.

NM_000059.4(BRCA2):c.5378A>C (p.Asn1793Thr)

Gene: BRCA2 (BRCA2 DNA repair associated; plus strand). Cytogenetic location: 13q13.1.
Variant type: single nucleotide variant.
Coding change: c.5378A>C on transcript NM_000059.4 (MANE Select); coding-DNA position 5378, A replaced by C.
Protein change: p.Asn1793Thr; replaces asparagine 1793 with threonine.
Molecular consequence: missense variant. On other transcripts: non-coding transcript variant (1), intron variant (2).
Genome position (GRCh38, 1-based): chr13:32,339,733, A>C. VCF-style: chr13-32339733-A-C. GRCh37 (hg19) VCF-style: chr13-32913870-A-C.
Other names: c.5378A>C, p.Asn1793Thr (NM_001406719.1, NM_001406720.1, NM_001432077.1); c.1910-4825A>C (NM_001406721.1); c.425-4825A>C (NM_001406722.1); short protein forms N1793T.
Identifiers: ClinVar variation 4810909 (VCV004810909.1).